The following is an entry in ClinVar:

NM_017617.5(NOTCH1):c.79C>T (p.Pro27Ser)

Gene: NOTCH1 (notch receptor 1; minus strand). Cytogenetic location: 9q34.3.
Variant type: single nucleotide variant.
Coding change: c.79C>T on transcript NM_017617.5 (MANE Select); coding-DNA position 79, C replaced by T.
Protein change: p.Pro27Ser; replaces proline 27 with serine.
Molecular consequence: missense variant.
Genome position (GRCh38, 1-based): chr9:136,544,085, G>A on the plus strand (C>T on the coding strand, the complement: NOTCH1 is on the minus strand). VCF-style: chr9-136544085-G-A. GRCh37 (hg19) VCF-style: chr9-139438537-G-A.
Other names: p.Pro27Ser; short protein forms P27S.
Identifiers: ClinVar variation 3379939 (VCV003379939.1).

ClinVar aggregate classification (germline): Uncertain significance (1 of 4 stars; one submission).

Submission:

Mayo Clinic Laboratories, Mayo Clinic
Classification: Uncertain significance. Last evaluated: 2023-09-28. Review status: criteria provided, single submitter. Criteria: ACMG Guidelines, 2015. Collection method: clinical testing. Allele origin: germline. Observed: 1 variant allele.
Comment: BP4, PP2, PM2

Literature cited by the submitters: PubMed 30675029.